The following is an entry in ClinVar:

NM_004055.5(CAPN5):c.1781A>G (p.Gln594Arg)

Gene: CAPN5 (calpain 5; plus strand). Cytogenetic location: 11q13.5.
Variant type: single nucleotide variant.
Coding change: c.1781A>G on transcript NM_004055.5 (MANE Select); coding-DNA position 1781, A replaced by G.
Protein change: p.Gln594Arg; replaces glutamine 594 with arginine.
Molecular consequence: missense variant. On other transcripts: non-coding transcript variant (1).
Genome position (GRCh38, 1-based): chr11:77,123,728, A>G. VCF-style: chr11-77123728-A-G. GRCh37 (hg19) VCF-style: chr11-76834774-A-G.
Other names: c.1901A>G, p.Gln634Arg (NM_001425321.1); c.1781A>G, p.Gln594Arg (NM_001425322.1); c.1649A>G, p.Gln550Arg (NM_001425323.1); short protein forms Q594R, Q634R, Q550R.
Identifiers: ClinVar variation 3664439 (VCV003664439.2).

ClinVar aggregate classification (germline): Uncertain significance (1 of 4 stars; one submission).

Submission:

Labcorp Genetics (formerly Invitae), Labcorp
Classification: Uncertain significance. Last evaluated: 2024-12-31. Review status: criteria provided, single submitter. Criteria: Invitae Variant Classification Sherloc (09022015). Collection method: clinical testing. Allele origin: germline.
Comment: This sequence change replaces glutamine, which is neutral and polar, with arginine, which is basic and polar, at codon 594 of the CAPN5 protein (p.Gln594Arg). This variant is not present in population databases (gnomAD no frequency). This variant has not been reported in the literature in individuals affected with CAPN5-related conditions. An algorithm developed to predict the effect of missense changes on protein structure and function (PolyPhen-2) suggests that this variant is likely to be tolerated. In summary, the available evidence is currently insufficient to determine the role of this variant in disease. Therefore, it has been classified as a Variant of Uncertain Significance.